The following is an entry in ClinVar:

NM_001277115.2(DNAH11):c.1A>C (p.Met1Leu)

Gene: DNAH11 (dynein axonemal heavy chain 11; plus strand). Cytogenetic location: 7p15.3.
Variant type: single nucleotide variant.
Coding change: c.1A>C on transcript NM_001277115.2 (MANE Select); coding-DNA position 1, A replaced by C.
Protein change: p.Met1Leu; changes the start codon (methionine 1).
Molecular consequence: missense variant, initiator codon variant.
Genome position (GRCh38, 1-based): chr7:21,543,246, A>C. VCF-style: chr7-21543246-A-C. GRCh37 (hg19) VCF-style: chr7-21582864-A-C.
Other names: c.1A>C, p.Met1Leu (NM_003777.3); short protein forms M1L.
Identifiers: ClinVar variation 2817469 (VCV002817469.3), dbSNP rs1162526607, ClinGen allele CA366930939.

ClinVar aggregate classification (germline): Likely pathogenic (1 of 4 stars; one submission).

Conditions:
Primary ciliary dyskinesia. Also called: Ciliary dyskinesia. Identifiers: Orphanet 244, MedGen C0008780, MONDO:0016575, HP:0012265.

Submission:

Labcorp Genetics (formerly Invitae), Labcorp
Classification: Likely pathogenic for Primary ciliary dyskinesia. Last evaluated: 2022-12-31. Review status: criteria provided, single submitter. Criteria: Invitae Variant Classification Sherloc (09022015). Collection method: clinical testing. Allele origin: germline.
Comment: In summary, the currently available evidence indicates that the variant is pathogenic, but additional data are needed to prove that conclusively. Therefore, this variant has been classified as Likely Pathogenic. Disruption of the initiator codon has been observed in individual(s) with clinical features of primary ciliary dyskinesia (Invitae). This variant is not present in population databases (gnomAD no frequency). This sequence change affects the initiator methionine of the DNAH11 mRNA. The next in-frame methionine is located at codon 68.